The following is an entry in ClinVar:

NM_001035.3(RYR2):c.12874A>G (p.Met4292Val)

Genes: RYR2 (ryanodine receptor 2; plus strand), LOC126806068 (BRD4-independent group 4 enhancer GRCh37_chr1:237947411-237948610; plus strand). Cytogenetic location: 1q43.
Variant type: single nucleotide variant.
Coding change: c.12874A>G on transcript NM_001035.3 (MANE Select); coding-DNA position 12874, A replaced by G.
Protein change: p.Met4292Val; replaces methionine 4292 with valine.
Molecular consequence: missense variant.
Genome position (GRCh38, 1-based): chr1:237,784,586, A>G. VCF-style: chr1-237784586-A-G. GRCh37 (hg19) VCF-style: chr1-237947886-A-G.
Other names: short protein forms M4292V.
Identifiers: ClinVar variation 2840134 (VCV002840134.3), dbSNP rs2527794180, ClinGen allele CA345414536.

ClinVar aggregate classification (germline): Uncertain significance (1 of 4 stars; one submission).

Conditions:
Catecholaminergic polymorphic ventricular tachycardia 1. Also called: VENTRICULAR TACHYCARDIA, CATECHOLAMINERGIC POLYMORPHIC, 1, WITH OR WITHOUT ATRIAL DYSFUNCTION AND/OR DILATED CARDIOMYOPATHY; VENTRICULAR TACHYCARDIA, STRESS-INDUCED POLYMORPHIC 1; RYR2-Related Catecholaminergic Polymorphic Ventricular Tachycardia. Identifiers: Orphanet 3286, MedGen C1631597, MONDO:0011484, OMIM 604772.

Submission:

Labcorp Genetics (formerly Invitae), Labcorp
Classification: Uncertain significance for Catecholaminergic polymorphic ventricular tachycardia 1. Last evaluated: 2023-06-17. Review status: criteria provided, single submitter. Criteria: Invitae Variant Classification Sherloc (09022015). Collection method: clinical testing. Allele origin: germline.
Comment: This variant is not present in population databases (gnomAD no frequency). This sequence change replaces methionine, which is neutral and non-polar, with valine, which is neutral and non-polar, at codon 4292 of the RYR2 protein (p.Met4292Val). This variant has not been reported in the literature in individuals affected with RYR2-related conditions. In summary, the available evidence is currently insufficient to determine the role of this variant in disease. Therefore, it has been classified as a Variant of Uncertain Significance. Advanced modeling of protein sequence and biophysical properties (such as structural, functional, and spatial information, amino acid conservation, physicochemical variation, residue mobility, and thermodynamic stability) performed at Invitae indicates that this missense variant is not expected to disrupt RYR2 protein function.